The following is an entry in ClinVar:

ClinVar aggregate classification (germline): Uncertain significance (1 of 4 stars; one submission).

gnomAD v4.1: 1 of 1,613,596 alleles (0.000062%); highest among the groups gnomAD compares: Non-Finnish European, 0.000085%; no homozygotes.

Submission:

Labcorp Genetics (formerly Invitae), Labcorp
Classification: Uncertain significance. Last evaluated: 2025-04-01. Review status: criteria provided, single submitter. Criteria: Invitae Variant Classification Sherloc (09022015). Collection method: clinical testing. Allele origin: germline.
Comment: This sequence change replaces serine, which is neutral and polar, with phenylalanine, which is neutral and non-polar, at codon 208 of the CLUAP1 protein (p.Ser208Phe). This variant is present in population databases (rs751687142, gnomAD 0.0009%). This variant has not been reported in the literature in individuals affected with CLUAP1-related conditions. Invitae Evidence Modeling of protein sequence and biophysical properties (such as structural, functional, and spatial information, amino acid conservation, physicochemical variation, residue mobility, and thermodynamic stability) indicates that this missense variant is expected to disrupt CLUAP1 protein function with a positive predictive value of 80%. In summary, the available evidence is currently insufficient to determine the role of this variant in disease. Therefore, it has been classified as a Variant of Uncertain Significance.

NM_015041.3(CLUAP1):c.623C>T (p.Ser208Phe)

Gene: CLUAP1 (clusterin associated protein 1; plus strand). Cytogenetic location: 16p13.3.
Variant type: single nucleotide variant.
Coding change: c.623C>T on transcript NM_015041.3 (MANE Select); coding-DNA position 623, C replaced by T.
Protein change: p.Ser208Phe; replaces serine 208 with phenylalanine.
Molecular consequence: missense variant.
Genome position (GRCh38, 1-based): chr16:3,519,946, C>T. VCF-style: chr16-3519946-C-T. GRCh37 (hg19) VCF-style: chr16-3569946-C-T.
Other names: c.623C>T, p.Ser208Phe (NM_001330454.2); c.125C>T, p.Ser42Phe (NM_024793.3); short protein forms S208F, S42F.
Identifiers: ClinVar variation 3635326 (VCV003635326.2).
Genomic context (GRCh38, chr16:3,519,946, plus strand): 5'-TTTCCCATTAAATATAGACACAGGTTCAGAAGACTAAAGACCTGCTCAATAATGTGGCCT[C>T]TGATGAAGCTAATTTAGAAGCCAAAATCGAAAAGAGAAAATTAGAACTGGAAAGAAATCG-3'
Protein context (NP_055856.1, residues 198-218): KTKDLLNNVA[Ser208Phe]DEANLEAKIE